The following is an entry in ClinVar:

ClinVar aggregate classification (germline): Conflicting classifications of pathogenicity. Review status: criteria provided, conflicting classifications (1 of 4 stars). 3 submissions from 3 submitters: Uncertain significance (2); Benign (1). Last evaluated 2025-11-05.

Conditions:
Congenital contractural arachnodactyly (CCA). Also called: Beals-Hecht syndrome; Arthrogryposis, distal, type 9; BEALS SYNDROME. Identifiers: Orphanet 115, MedGen C0220668, MONDO:0007363, OMIM 121050.
Familial thoracic aortic aneurysm and aortic dissection (TAAD). Also called: Thoracic aortic aneurysms and dissections. Identifiers: Orphanet 91387, MedGen C4707243, MONDO:0019625.

Allele frequency attached by ClinVar (database versions not stated): gnomAD 0.00014 and 0.00015; TOPMed 0.00014; ESP Exome Variant Server 0.00046.
gnomAD v4.1: 37 of 1,613,938 alleles (0.0023%); highest among the groups gnomAD compares: African/African-American, 0.048%; no homozygotes.

Submissions (3):

GeneDx
Classification: Uncertain significance. Last evaluated: 2025-11-05. Review status: criteria provided, single submitter. Criteria: GeneDx Variant Classification Process June 2021. Collection method: clinical testing. Allele origin: germline. Affected: yes.
Comment: In silico analysis supports that this missense variant has a deleterious effect on protein structure/function; Has not been previously published as pathogenic or benign to our knowledge; Although located in a calcium-binding EGF-like domain of the FBN2 gene, it does not substitute or introduce a cysteine residue (PMID: 19006240, 18767143); This variant is associated with the following publications: (PMID: 18767143, 19006240)

Labcorp Genetics (formerly Invitae), Labcorp
Classification: Benign for Congenital contractural arachnodactyly. Last evaluated: 2025-06-25. Review status: criteria provided, single submitter. Criteria: Invitae Variant Classification Sherloc (09022015). Collection method: clinical testing. Allele origin: germline.

Ambry Genetics
Classification: Uncertain significance for Familial thoracic aortic aneurysm and aortic dissection. Last evaluated: 2024-06-14. Review status: criteria provided, single submitter. Criteria: Ambry Variant Classification Scheme 2023. Collection method: clinical testing. Allele origin: germline.
Comment: The p.I1868F variant (also known as c.5602A>T), located in coding exon 44 of the FBN2 gene, results from an A to T substitution at nucleotide position 5602. The isoleucine at codon 1868 is replaced by phenylalanine, an amino acid with highly similar properties. This amino acid position is well conserved in available vertebrate species. In addition, this alteration is predicted to be deleterious by in silico analysis. Based on the available evidence, the clinical significance of this variant remains unclear.

NM_001999.4(FBN2):c.5602A>T (p.Ile1868Phe)

Gene: FBN2 (fibrillin 2; minus strand). Cytogenetic location: 5q23.3.
Variant type: single nucleotide variant.
Coding change: c.5602A>T on transcript NM_001999.4 (MANE Select); coding-DNA position 5602, A replaced by T.
Protein change: p.Ile1868Phe; replaces isoleucine 1868 with phenylalanine.
Molecular consequence: missense variant.
Genome position (GRCh38, 1-based): chr5:128,305,583, T>A on the plus strand (A>T on the coding strand, the complement: FBN2 is on the minus strand). VCF-style: chr5-128305583-T-A. GRCh37 (hg19) VCF-style: chr5-127641275-T-A.
Other names: short protein forms I1868F.
Identifiers: ClinVar variation 449265 (VCV000449265.14), dbSNP rs150931558, ClinGen allele CA3394659.